The following is an entry in ClinVar:

NM_014679.5(CEP57):c.448A>T (p.Met150Leu)

Gene: CEP57 (centrosomal protein 57; plus strand). Cytogenetic location: 11q21.
Variant type: single nucleotide variant.
Coding change: c.448A>T on transcript NM_014679.5 (MANE Select); coding-DNA position 448, A replaced by T.
Protein change: p.Met150Leu; replaces methionine 150 with leucine.
Molecular consequence: missense variant.
Genome position (GRCh38, 1-based): chr11:95,813,533, A>T. VCF-style: chr11-95813533-A-T. GRCh37 (hg19) VCF-style: chr11-95546697-A-T.
Other names: c.421A>T, p.Met141Leu (NM_001243776.2); c.448A>T, p.Met150Leu (NM_001243777.2); c.367A>T, p.Met123Leu (NM_001363604.2); short protein forms M150L, M141L, M123L.
Identifiers: ClinVar variation 539590 (VCV000539590.10), dbSNP rs1392775846, ClinGen allele CA382422067.

ClinVar aggregate classification (germline): Uncertain significance. Review status: criteria provided, multiple submitters, no conflicts (2 of 4 stars). 2 submissions from 2 submitters: Uncertain significance (2). Last evaluated 2025-06-24.

Conditions:
Mosaic variegated aneuploidy syndrome 2 (MVA2). Identifiers: Orphanet 1052, MedGen C3279843, MONDO:0013582, OMIM 614114.
Inborn genetic diseases. Identifiers: MedGen C0950123, MeSH D030342.

Allele frequency attached by ClinVar (database versions not stated): TOPMed 0.00002.

Submissions (2):

Ambry Genetics
Classification: Uncertain significance for Inborn genetic diseases. Last evaluated: 2025-06-24. Review status: criteria provided, single submitter. Criteria: Ambry Variant Classification Scheme 2023. Collection method: clinical testing. Allele origin: germline.

Labcorp Genetics (formerly Invitae), Labcorp
Classification: Uncertain significance for Mosaic variegated aneuploidy syndrome 2. Last evaluated: 2024-09-08. Review status: criteria provided, single submitter. Criteria: Invitae Variant Classification Sherloc (09022015). Collection method: clinical testing. Allele origin: germline.
Comment: This sequence change replaces methionine, which is neutral and non-polar, with leucine, which is neutral and non-polar, at codon 150 of the CEP57 protein (p.Met150Leu). This variant is present in population databases (no rsID available, gnomAD 0.0009%). This variant has not been reported in the literature in individuals affected with CEP57-related conditions. ClinVar contains an entry for this variant (Variation ID: 539590). Invitae Evidence Modeling of protein sequence and biophysical properties (such as structural, functional, and spatial information, amino acid conservation, physicochemical variation, residue mobility, and thermodynamic stability) has been performed for this missense variant. However, the output from this modeling did not meet the statistical confidence thresholds required to predict the impact of this variant on CEP57 protein function. In summary, the available evidence is currently insufficient to determine the role of this variant in disease. Therefore, it has been classified as a Variant of Uncertain Significance.